The following is an entry in ClinVar:

ClinVar aggregate classification (germline): Uncertain significance (1 of 4 stars; one submission).

Conditions:
HSD17B4-related disorder. Also called: HSD17B4-related condition; HSD17B4-related disorders.

Submission:

PreventionGenetics, part of Exact Sciences
Classification: Uncertain significance for HSD17B4-related condition. Last evaluated: 2025-12-31. Review status: criteria provided, single submitter. Criteria: ACMG Guidelines, 2015. Collection method: clinical testing. Allele origin: germline.
Comment: The HSD17B4 c.58+166G>T variant is predicted to interfere with splicing. This variant is referred to as a deep intronic variant, c.58+166G>T, based on an alternative transcript (NM_000414). This variant is predicted to impact splicing based on an available computational splicing program; however, the impact of this variant has not been functionally validated (SpliceAI, Jaganathan et al. 2019. PubMed ID: 30661751). To our knowledge, this variant has not been reported in the literature or in a large population database (gnomAD), indicating this variant is rare. At this time, the clinical significance of this variant is uncertain due to the absence of conclusive functional and genetic evidence.

NM_000414.4(HSD17B4):c.58+166G>T

Gene: HSD17B4 (hydroxysteroid 17-beta dehydrogenase 4; plus strand). Cytogenetic location: 5q23.1.
Variant type: single nucleotide variant.
Coding change: c.58+166G>T on transcript NM_000414.4 (MANE Select); 166 bases into the intron after coding-DNA position 58, G replaced by T.
Molecular consequence: intron variant. On other transcripts: nonsense (1), 5 prime UTR variant (6), non-coding transcript variant (1).
Genome position (GRCh38, 1-based): chr5:119,452,799, G>T. VCF-style: chr5-119452799-G-T. GRCh37 (hg19) VCF-style: chr5-118788494-G-T.
Other names: c.46G>T, p.Glu16Ter (NM_001199291.3); c.-376G>T (NM_001292028.2, NM_001374501.1); c.-310G>T (NM_001374499.1); c.-503G>T (NM_001374500.1); c.-381G>T (NM_001374502.1); c.-446G>T (NM_001374503.1); c.-80+166G>T (NM_001292027.2); c.58+166G>T (NM_001374498.1, NM_001374497.1, NM_001199292.2); short protein forms E16*.
Identifiers: ClinVar variation 4992852 (VCV004992852.1).